The following is an entry in ClinVar:

ClinVar aggregate classification (germline): Uncertain significance (1 of 4 stars; one submission).

Conditions:
Familial thoracic aortic aneurysm and aortic dissection (TAAD). Also called: Thoracic aortic aneurysms and dissections. Identifiers: Orphanet 91387, MedGen C4707243, MONDO:0019625.
Marfan syndrome (MFS). Also called: Marfan syndrome, classic; Marfan syndrome type 1; Marfan's syndrome; FBN1-Related Marfan Syndrome; MARFAN SYNDROME, TYPE I. Identifiers: Orphanet 284963, Orphanet 558, MedGen C0024796, MONDO:0007947, OMIM 154700.

Submission:

Labcorp Genetics (formerly Invitae), Labcorp
Classification: Uncertain significance for Marfan syndrome; Familial thoracic aortic aneurysm and aortic dissection. Last evaluated: 2022-02-10. Review status: criteria provided, single submitter. Criteria: Invitae Variant Classification Sherloc (09022015). Collection method: clinical testing. Allele origin: germline.
Comment: In summary, the available evidence is currently insufficient to determine the role of this variant in disease. Therefore, it has been classified as a Variant of Uncertain Significance. Algorithms developed to predict the effect of missense changes on protein structure and function (SIFT, PolyPhen-2, Align-GVGD) all suggest that this variant is likely to be tolerated. ClinVar contains an entry for this variant (Variation ID: 934513). This variant has not been reported in the literature in individuals affected with FBN1-related conditions. This variant is present in population databases (no rsID available, gnomAD 0.0009%). This sequence change replaces valine, which is neutral and non-polar, with leucine, which is neutral and non-polar, at codon 916 of the FBN1 protein (p.Val916Leu).

NM_000138.5(FBN1):c.2746G>C (p.Val916Leu)

Gene: FBN1 (fibrillin 1; minus strand). Cytogenetic location: 15q21.1.
Variant type: single nucleotide variant.
Coding change: c.2746G>C on transcript NM_000138.5 (MANE Select); coding-DNA position 2746, G replaced by C.
Protein change: p.Val916Leu; replaces valine 916 with leucine.
Molecular consequence: missense variant.
Genome position (GRCh38, 1-based): chr15:48,492,569, C>G on the plus strand (G>C on the coding strand, the complement: FBN1 is on the minus strand). VCF-style: chr15-48492569-C-G. GRCh37 (hg19) VCF-style: chr15-48784766-C-G.
Other names: short protein forms V916L.
Identifiers: ClinVar variation 934513 (VCV000934513.8), dbSNP rs373644734, ClinGen allele CA392330846.
Genomic context (GRCh38, chr15:48,492,569, plus strand): 5'-GACACTTGAATGACCCCCTAGTGTTAACACACAGGCCATTTTTACACACTCCTGGGAACA[C>G]TTCACATTCATCTATATCTAAAAAGAAAAAAAAAGTATAAAGTTAATATATCTTTATAAT-3'
Protein context (NP_000129.3, residues 906-926): TQCEDIDECE[Val916Leu]FPGVCKNGLC